The following is an entry in ClinVar:

ClinVar aggregate classification (germline): Uncertain significance (1 of 4 stars; one submission).

Submission:

Ambry Genetics
Classification: Uncertain significance. Last evaluated: 2024-08-10. Review status: criteria provided, single submitter. Criteria: Ambry Variant Classification Scheme 2023. Collection method: clinical testing. Allele origin: germline.
Comment: The p.S129G variant (also known as c.385A>G), located in coding exon 4 of the RINT1 gene, results from an A to G substitution at nucleotide position 385. The serine at codon 129 is replaced by glycine, an amino acid with similar properties. This amino acid position is conserved. In addition, this alteration is predicted to be tolerated by in silico analysis. Based on the available evidence, the clinical significance of this variant remains unclear.

NM_021930.6(RINT1):c.385A>G (p.Ser129Gly)

Gene: RINT1 (RAD50 interactor 1; plus strand). Cytogenetic location: 7q22.3.
Variant type: single nucleotide variant.
Coding change: c.385A>G on transcript NM_021930.6 (MANE Select); coding-DNA position 385, A replaced by G.
Protein change: p.Ser129Gly; replaces serine 129 with glycine.
Molecular consequence: missense variant. On other transcripts: 5 prime UTR variant (3), non-coding transcript variant (1).
Genome position (GRCh38, 1-based): chr7:105,542,519, A>G. VCF-style: chr7-105542519-A-G. GRCh37 (hg19) VCF-style: chr7-105182966-A-G.
Other names: c.151A>G, p.Ser51Gly (NM_001346599.2); c.-635A>G (NM_001346600.2); c.-538A>G (NM_001346601.2); c.-158A>G (NM_001346603.2); short protein forms S51G, S129G.
Identifiers: ClinVar variation 3433597 (VCV003433597.1).